The following is an entry in ClinVar:

NM_001165963.4(SCN1A):c.1182_1183insA (p.Ala395fs)

Gene: SCN1A (sodium voltage-gated channel alpha subunit 1; minus strand). Cytogenetic location: 2q24.3.
Variant type: Insertion.
Coding change: c.1182_1183insA on transcript NM_001165963.4 (MANE Select); coding-DNA positions 1182 to 1183, A inserted.
Protein change: p.Ala395fs; shifts the reading frame from alanine 395.
Molecular consequence: frameshift variant. On other transcripts: 5 prime UTR variant (1), non-coding transcript variant (1).
Genome position: GRCh38 VCF-style: chr2-166046964-C-CT. GRCh37 (hg19) VCF-style: chr2-166903474-C-CT.
Other names: c.1182_1183insA, p.Ala395fs (NM_001165964.3, NM_001202435.3, NM_001353948.2 and 10 more transcripts); c.-1244_-1243insA (NM_001353961.2); short protein forms A395fs.
Identifiers: ClinVar variation 189940 (VCV000189940.1), dbSNP rs794726777, ClinGen allele CA303359.

ClinVar aggregate classification (germline): Pathogenic (1 of 4 stars; one submission).

Conditions:
Severe myoclonic epilepsy in infancy (DRVT). Also called: Epileptic encephalopathy, early infantile, 6 (Dravet syndrome); SEVERE MYOCLONIC EPILEPSY OF INFANCY; DEVELOPMENTAL AND EPILEPTIC ENCEPHALOPATHY 6A; Severe Myoclonic Epilepsy in Infancy (SMEI); Dravet syndrome. Identifiers: Orphanet 33069, MedGen C0751122, MONDO:0100135, OMIM 607208.

Submission:

Center for Bioinformatics, Peking University
Classification: Pathogenic for Dravet syndrome. Last evaluated: 2014-12-20. Review status: criteria provided, single submitter. Criteria: Xu et al. (Hum Mutat. 2015). Collection method: research. Allele origin: de novo. Affected: yes. Observed: 1 variant allele. Study: University Clinical Cooperation “985 Project” PKU-2014-1-1.
Comment: Dravet syndrome (DS) probands were recruited from the outpatient and inpatient child neurology units of Peking University First Hospital from 2005 till present. The study was approved by the Ethics Committee of Peking University First Hospital and the Institutional Review Board at Peking University. Participants or their parents provided written informed consent before enrollment. We collected a total of 267 mutations from 255 families with probands diagnosed with DS in China. All probands fulfilled the clinical diagnostic criteria.